The following is an entry in ClinVar:

ClinVar aggregate classification (germline): Likely benign. Review status: criteria provided, multiple submitters, no conflicts (2 of 4 stars). 2 submissions from 2 submitters: Likely benign (2). Last evaluated 2026-06-27.

Conditions:
SPG11-related disorder. Also called: SPG11-related condition.
Hereditary spastic paraplegia 11. Also called: Spastic paraplegia, mental retardation and thin corpus callosum; Spastic Paraplegia 11; SPASTIC PARAPLEGIA, AUTOSOMAL RECESSIVE, COMPLICATED, WITH THIN CORPUS CALLOSUM; SPASTIC PARAPLEGIA, AUTOSOMAL RECESSIVE, WITH MENTAL IMPAIRMENT AND THIN CORPUS CALLOSUM; Nakamura Osame syndrome; Autosomal recessive hereditary spastic paraplegia, mental impairment, and thin corpus callosum. Identifiers: Orphanet 2822, MedGen C1858479, MONDO:0011445, OMIM 604360.

Allele frequency attached by ClinVar (database versions not stated): gnomAD exomes below 0.00001 and 0.00006; TOPMed 0.00002; gnomAD 0.00003.
gnomAD v4.1: 84 of 1,442,556 alleles (0.0058%); highest among the groups gnomAD compares: Non-Finnish European, 0.0077%; no homozygotes.

Submissions (2):

PreventionGenetics, part of Exact Sciences
Classification: Likely benign for SPG11-related condition. Last evaluated: 2026-06-27. Review status: criteria provided, single submitter. Criteria: ACMG Guidelines, 2015. Collection method: clinical testing. Allele origin: germline.
Comment: This variant is classified as likely benign based on ACMG/AMP sequence variant interpretation guidelines (Richards et al. 2015 PMID: 25741868, with internal and published modifications).

Labcorp Genetics (formerly Invitae), Labcorp
Classification: Likely benign for Hereditary spastic paraplegia 11. Last evaluated: 2025-05-11. Review status: criteria provided, single submitter. Criteria: Invitae Variant Classification Sherloc (09022015). Collection method: clinical testing. Allele origin: germline.

NM_025137.4(SPG11):c.5103C>T (p.Asp1701=)

Gene: SPG11 (SPG11 vesicle trafficking associated, spatacsin; minus strand). Cytogenetic location: 15q21.1.
Variant type: single nucleotide variant.
Coding change: c.5103C>T on transcript NM_025137.4 (MANE Select); coding-DNA position 5103, C replaced by T.
Protein change: p.Asp1701=; no amino-acid change (aspartic acid 1701 retained).
Molecular consequence: synonymous variant.
Genome position (GRCh38, 1-based): chr15:44,585,654, G>A on the plus strand (C>T on the coding strand, the complement: SPG11 is on the minus strand). VCF-style: chr15-44585654-G-A. GRCh37 (hg19) VCF-style: chr15-44877852-G-A.
Other names: c.5103C>T, p.Asp1701= (NM_001160227.2).
Identifiers: ClinVar variation 704512 (VCV000704512.9), dbSNP rs991666334, ClinGen allele CA270081638.